The following is an entry in ClinVar:

ClinVar aggregate classification (germline): Uncertain significance (1 of 4 stars; one submission).

Conditions:
Alpha thalassemia-X-linked intellectual disability syndrome (ATRX). Also called: ALPHA-THALASSEMIA/MENTAL RETARDATION SYNDROME, X-LINKED; ATR, NONDELETION TYPE; ATR-X syndrome; Alpha thalassemia mental retardation syndrome, nondeletion type, X-linked; XLMR hypotonic face syndrome; X-linked alpha-thalassemia-mental retardation syndrome. Identifiers: Orphanet 847, MedGen C1845055, MONDO:0010519, OMIM 301040.

Submission:

Labcorp Genetics (formerly Invitae), Labcorp
Classification: Uncertain significance for Alpha thalassemia-X-linked intellectual disability syndrome. Last evaluated: 2023-10-03. Review status: criteria provided, single submitter. Criteria: Invitae Variant Classification Sherloc (09022015). Collection method: clinical testing. Allele origin: germline.
Comment: This sequence change replaces aspartic acid, which is acidic and polar, with glycine, which is neutral and non-polar, at codon 852 of the ATRX protein (p.Asp852Gly). This variant is not present in population databases (gnomAD no frequency). This variant has not been reported in the literature in individuals affected with ATRX-related conditions. Advanced modeling of protein sequence and biophysical properties (such as structural, functional, and spatial information, amino acid conservation, physicochemical variation, residue mobility, and thermodynamic stability) performed at Invitae indicates that this missense variant is not expected to disrupt ATRX protein function. In summary, the available evidence is currently insufficient to determine the role of this variant in disease. Therefore, it has been classified as a Variant of Uncertain Significance.

NM_000489.6(ATRX):c.2555A>G (p.Asp852Gly)

Gene: ATRX (ATRX chromatin remodeler; minus strand). Cytogenetic location: Xq21.1.
Variant type: single nucleotide variant.
Coding change: c.2555A>G on transcript NM_000489.6 (MANE Select); coding-DNA position 2555, A replaced by G.
Protein change: p.Asp852Gly; replaces aspartic acid 852 with glycine.
Molecular consequence: missense variant.
Genome position (GRCh38, 1-based): chrX:77,682,701, T>C on the plus strand (A>G on the coding strand, the complement: ATRX is on the minus strand). VCF-style: chrX-77682701-T-C. GRCh37 (hg19) VCF-style: chrX-76938193-T-C.
Other names: c.2441A>G, p.Asp814Gly (NM_138270.5); short protein forms D852G, D814G.
Identifiers: ClinVar variation 2840248 (VCV002840248.3), dbSNP rs2148594580, ClinGen allele CA413711773.